The following is an entry in ClinVar:

NM_007327.4(GRIN1):c.2172C>T (p.Asn724=)

Gene: GRIN1 (glutamate ionotropic receptor NMDA type subunit 1; plus strand). Cytogenetic location: 9q34.3.
Variant type: single nucleotide variant.
Coding change: c.2172C>T on transcript NM_007327.4 (MANE Select); coding-DNA position 2172, C replaced by T.
Protein change: p.Asn724=; no amino-acid change (asparagine 724 retained).
Molecular consequence: synonymous variant.
Genome position (GRCh38, 1-based): chr9:137,163,169, C>T. VCF-style: chr9-137163169-C-T. GRCh37 (hg19) VCF-style: chr9-140057621-C-T.
Other names: c.2172C>T, p.Asn724= (NM_000832.7, NM_021569.4); c.2235C>T, p.Asn745= (NM_001185090.2, NM_001185091.2).
Identifiers: ClinVar variation 1311710 (VCV001311710.6), dbSNP rs2131301112, ClinGen allele CA467850367.

ClinVar aggregate classification (germline): Uncertain significance. Review status: criteria provided, multiple submitters, no conflicts (2 of 4 stars). 2 submissions from 2 submitters: Uncertain significance (2). Last evaluated 2022-02-08.

Conditions:
Neurodevelopmental disorder with or without hyperkinetic movements and seizures, autosomal dominant. Also called: Intellectual disability, autosomal dominant 8. Identifiers: MedGen C3280282, MONDO:0013655, OMIM 614254.

Submissions (2):

Labcorp Genetics (formerly Invitae), Labcorp
Classification: Uncertain significance for Neurodevelopmental disorder with or without hyperkinetic movements and seizures, autosomal dominant. Last evaluated: 2022-02-08. Review status: criteria provided, single submitter. Criteria: Invitae Variant Classification Sherloc (09022015). Collection method: clinical testing. Allele origin: germline.
Comment: This variant has not been reported in the literature in individuals affected with GRIN1-related conditions. In summary, the available evidence is currently insufficient to determine the role of this variant in disease. Therefore, it has been classified as a Variant of Uncertain Significance. Algorithms developed to predict the effect of sequence changes on RNA splicing suggest that this variant may create or strengthen a splice site. ClinVar contains an entry for this variant (Variation ID: 1311710). This variant is not present in population databases (gnomAD no frequency). This sequence change affects codon 724 of the GRIN1 mRNA. It is a 'silent' change, meaning that it does not change the encoded amino acid sequence of the GRIN1 protein. It affects a nucleotide within the consensus splice site.

GeneDx
Classification: Uncertain significance. Last evaluated: 2019-12-31. Review status: criteria provided, single submitter. Criteria: GeneDx Variant Classification Process June 2021. Collection method: clinical testing. Allele origin: germline. Affected: yes.
Comment: Not observed in large population cohorts (Lek et al., 2016); Has not been previously published as pathogenic or benign to our knowledge; In silico analysis, which includes splice predictors and evolutionary conservation, suggests this variant may impact gene splicing. In the absence of RNA/functional studies, the actual effect of this sequence change is unknown.